The following is an entry in ClinVar:

ClinVar aggregate classification (germline): Likely benign. Review status: criteria provided, single submitter (1 of 4 stars). 2 submissions from 2 submitters: Likely benign (1). 1 of the submissions does not count toward it. Last evaluated 2021-07-27.

Conditions:
EFCAB5-related disorder. Also called: EFCAB5-related condition.

Allele frequency attached by ClinVar (database versions not stated): ESP Exome Variant Server 0.00059.
gnomAD v4.1: 937 of 1,613,248 alleles (0.058%); highest among the groups gnomAD compares: Non-Finnish European, 0.057%; 2 homozygotes.

Submissions (2):

Ambry Genetics
Classification: Likely benign. Last evaluated: 2021-07-27. Review status: criteria provided, single submitter. Criteria: Ambry Variant Classification Scheme 2023. Collection method: clinical testing. Allele origin: germline.

PreventionGenetics, part of Exact Sciences
Classification: Likely benign for EFCAB5-related condition. Last evaluated: 2019-05-24. Review status: no assertion criteria provided. Collection method: clinical testing. Allele origin: germline. Not counted in ClinVar's aggregate classification.
Comment: This variant is classified as likely benign based on ACMG/AMP sequence variant interpretation guidelines (Richards et al. 2015 PMID: 25741868, with internal and published modifications).

NM_198529.4(EFCAB5):c.3384C>A (p.His1128Gln)

Gene: EFCAB5 (EF-hand calcium binding domain 5; plus strand). Cytogenetic location: 17q11.2.
Variant type: single nucleotide variant.
Coding change: c.3384C>A on transcript NM_198529.4 (MANE Select); coding-DNA position 3384, C replaced by A.
Protein change: p.His1128Gln; replaces histidine 1128 with glutamine.
Molecular consequence: missense variant.
Genome position (GRCh38, 1-based): chr17:30,080,939, C>A. VCF-style: chr17-30080939-C-A. GRCh37 (hg19) VCF-style: chr17-28407957-C-A.
Other names: short protein forms H1128Q.
Identifiers: ClinVar variation 2226034 (VCV002226034.4), dbSNP rs143114099, ClinGen allele CA8479255.
Genomic context (GRCh38, chr17:30,080,939, plus strand): 5'-TCAAGATGCATATATGAGGATCTTTGGGGTCTTGGCTGTTGATACCCTTAGAGATCCCCA[C>A]GAAATAAACATCTTTCTACCTCATGAGATCAGATTCTATCAGGTAAGTCATAGAAGTCTT-3'
Protein context (NP_940931.3, residues 1118-1138): VLAVDTLRDP[His1128Gln]EINIFLPHEI